The following is an entry in ClinVar:

ClinVar aggregate classification (germline): Uncertain significance. Review status: criteria provided, multiple submitters, no conflicts (2 of 4 stars). 2 submissions from 2 submitters: Uncertain significance (2). Last evaluated 2025-02-18.

Conditions:
Developmental and epileptic encephalopathy, 84. Also called: EPILEPTIC ENCEPHALOPATHY, EARLY IFANTILE, 84. Identifiers: MedGen C5394081, MONDO:0032918, OMIM 618792.

Submissions (2):

GeneDx
Classification: Uncertain significance. Last evaluated: 2025-02-18. Review status: criteria provided, single submitter. Criteria: GeneDx Variant Classification Process June 2021. Collection method: clinical testing. Allele origin: germline. Affected: yes.
Comment: Not observed at significant frequency in large population cohorts (gnomAD); In silico analysis supports that this missense variant has a deleterious effect on protein structure/function; Has not been previously published as pathogenic or benign to our knowledge

3billion
Classification: Uncertain significance for Developmental and epileptic encephalopathy, 84. Last evaluated: 2025-02-03. Review status: criteria provided, single submitter. Criteria: ACMG Guidelines, 2015. Collection method: clinical testing. Allele origin: germline. Affected: yes.
Comment: The variant is not observed in the gnomAD v4.1.0 dataset. Predicted Consequence/Location: Missense variant In silico tool predictions suggest damaging effect of the variant on gene or gene product [REVEL: 0.72 (>=0.6, sensitivity 0.68 and specificity 0.92); 3Cnet: 0.72 (>=0.6, sensitivity 0.72 and precision 0.9)]. Therefore, this variant is classified as VUS according to the recommendation of ACMG/AMP guideline.

NM_003359.4(UGDH):c.563G>A (p.Gly188Asp)

Gene: UGDH (UDP-glucose 6-dehydrogenase; minus strand). Cytogenetic location: 4p14.
Variant type: single nucleotide variant.
Coding change: c.563G>A on transcript NM_003359.4 (MANE Select); coding-DNA position 563, G replaced by A.
Protein change: p.Gly188Asp; replaces glycine 188 with aspartic acid.
Molecular consequence: missense variant.
Genome position (GRCh38, 1-based): chr4:39,510,453, C>T on the plus strand (G>A on the coding strand, the complement: UGDH is on the minus strand). VCF-style: chr4-39510453-C-T. GRCh37 (hg19) VCF-style: chr4-39512073-C-T.
Other names: c.362G>A, p.Gly121Asp (NM_001184700.2); c.272G>A, p.Gly91Asp (NM_001184701.2); short protein forms G121D, G188D, G91D.
Identifiers: ClinVar variation 4075731 (VCV004075731.2).
Genomic context (GRCh38, chr4:39,510,453, plus strand): 5'-ATCTTTTCTCTGGGAACCCAGTGCTCATATACAGCACACAGGGCCTGCACAGCTCTCTGG[C>T]CCTCTGGAGTTTCATCCCCTCCAATCAGTACTCTGTCTGGGTTCTTTAGGTCCTTGATGG-3'
Protein context (NP_003350.1, residues 178-198): VLIGGDETPE[Gly188Asp]QRAVQALCAV